The following is an entry in ClinVar:

ClinVar aggregate classification (germline): Uncertain significance. Review status: criteria provided, multiple submitters, no conflicts (2 of 4 stars). 2 submissions from 2 submitters: Uncertain significance (2). Last evaluated 2026-06-29.

Conditions:
Multiple congenital anomalies-hypotonia-seizures syndrome 1 (MCAHS1). Also called: GLYCOSYLPHOSPHATIDYLINOSITOL BIOSYNTHESIS DEFECT 3; PIGN-CDG; Congenital disorder of glycosylation due to PIGN deficiency. Identifiers: Orphanet 280633, MedGen C3279775, MONDO:0013563, OMIM 614080.

Allele frequency attached by ClinVar (database versions not stated): ExAC below 0.00001; gnomAD exomes below 0.00001 and 0.00001; gnomAD 0.00006; TOPMed 0.00005.
gnomAD v4.1: 13 of 1,552,880 alleles (0.00084%); highest among the groups gnomAD compares: African/African-American, 0.016%; no homozygotes.

Submissions (2):

GeneDx
Classification: Uncertain significance. Last evaluated: 2026-06-29. Review status: criteria provided, single submitter. Criteria: GeneDx Variant Classification Process June 2021. Collection method: clinical testing. Allele origin: germline.
Comment: In silico analysis suggests that this missense variant does not alter protein structure/function; Has not been previously published as pathogenic or benign to our knowledge

Labcorp Genetics (formerly Invitae), Labcorp
Classification: Uncertain significance for Multiple congenital anomalies-hypotonia-seizures syndrome 1. Last evaluated: 2025-01-27. Review status: criteria provided, single submitter. Criteria: Invitae Variant Classification Sherloc (09022015). Collection method: clinical testing. Allele origin: germline.
Comment: This sequence change replaces phenylalanine, which is neutral and non-polar, with serine, which is neutral and polar, at codon 598 of the PIGN protein (p.Phe598Ser). The frequency data for this variant in the population databases is considered unreliable, as metrics indicate poor data quality at this position in the gnomAD database. This variant has not been reported in the literature in individuals affected with PIGN-related conditions. ClinVar contains an entry for this variant (Variation ID: 539550). Invitae Evidence Modeling of protein sequence and biophysical properties (such as structural, functional, and spatial information, amino acid conservation, physicochemical variation, residue mobility, and thermodynamic stability) indicates that this missense variant is not expected to disrupt PIGN protein function with a negative predictive value of 80%. In summary, the available evidence is currently insufficient to determine the role of this variant in disease. Therefore, it has been classified as a Variant of Uncertain Significance.

NM_176787.5(PIGN):c.1793T>C (p.Phe598Ser)

Genes: PIGN (phosphatidylinositol glycan anchor biosynthesis class N; minus strand), LOC132090497 (Neanderthal introgressed variant-containing enhancer experimental_48690; plus strand). Cytogenetic location: 18q21.33.
Variant type: single nucleotide variant.
Coding change: c.1793T>C on transcript NM_176787.5 (MANE Select); coding-DNA position 1793, T replaced by C.
Protein change: p.Phe598Ser; replaces phenylalanine 598 with serine.
Molecular consequence: missense variant.
Genome position (GRCh38, 1-based): chr18:62,105,609, A>G on the plus strand (T>C on the coding strand, the complement: PIGN is on the minus strand). VCF-style: chr18-62105609-A-G. GRCh37 (hg19) VCF-style: chr18-59772842-A-G.
Other names: c.1793T>C, p.Phe598Ser (NM_012327.6); short protein forms F598S.
Identifiers: ClinVar variation 539550 (VCV000539550.7), dbSNP rs751256770, ClinGen allele CA8982168.